The following is an entry in ClinVar:

NM_000051.4(ATM):c.8383G>A (p.Asp2795Asn)

Genes: ATM (ATM serine/threonine kinase; plus strand), C11orf65 (chromosome 11 open reading frame 65; minus strand). Cytogenetic location: 11q22.3.
Variant type: single nucleotide variant.
Coding change: c.8383G>A on transcript NM_000051.4 (MANE Select); coding-DNA position 8383, G replaced by A.
Protein change: p.Asp2795Asn; replaces aspartic acid 2795 with asparagine.
Molecular consequence: missense variant. On other transcripts: intron variant (2).
Genome position (GRCh38, 1-based): chr11:108,343,336, G>A. VCF-style: chr11-108343336-G-A. GRCh37 (hg19) VCF-style: chr11-108214063-G-A.
Other names: c.8383G>A, p.Asp2795Asn (NM_001351834.2); c.641-34265C>T (NM_001330368.2); c.695-8044C>T (NM_001351110.2); short protein forms D2795N.
Identifiers: ClinVar variation 644857 (VCV000644857.9), dbSNP rs1565558417, ClinGen allele CA382516552.

ClinVar aggregate classification (germline): Uncertain significance (1 of 4 stars; one submission).

Conditions:
Ataxia-telangiectasia syndrome (AT). Also called: Ataxia-telangiectasia, complementation group D; AT, COMPLEMENTATION GROUP C; ATAXIA-TELANGIECTASIA, COMPLEMENTATION GROUP A; ATAXIA-TELANGIECTASIA, FRESNO VARIANT; Ataxia-telangiectasia; LOUIS-BAR SYNDROME. Identifiers: Orphanet 100, MedGen C0004135, MONDO:0008840, OMIM 208900.

Submission:

Labcorp Genetics (formerly Invitae), Labcorp
Classification: Uncertain significance for Ataxia-telangiectasia syndrome. Last evaluated: 2018-07-10. Review status: criteria provided, single submitter. Criteria: Invitae Variant Classification Sherloc (09022015). Collection method: clinical testing. Allele origin: germline.
Comment: In summary, the available evidence is currently insufficient to determine the role of this variant in disease. Therefore, it has been classified as a Variant of Uncertain Significance. Algorithms developed to predict the effect of missense changes on protein structure and function are either unavailable or do not agree on the potential impact of this missense change (SIFT: "Deleterious"; PolyPhen-2: "Probably Damaging"; Align-GVGD: "Class C15"). This variant has not been reported in the literature in individuals with ATM-related disease. This variant is not present in population databases (ExAC no frequency). This sequence change replaces aspartic acid with asparagine at codon 2795 of the ATM protein (p.Asp2795Asn). The aspartic acid residue is highly conserved and there is a small physicochemical difference between aspartic acid and asparagine.